The following is an entry in ClinVar:

NM_000540.3(RYR1):c.7433C>A (p.Thr2478Asn)

Gene: RYR1 (ryanodine receptor 1; plus strand). Cytogenetic location: 19q13.2.
Variant type: single nucleotide variant.
Coding change: c.7433C>A on transcript NM_000540.3 (MANE Select); coding-DNA position 7433, C replaced by A.
Protein change: p.Thr2478Asn; replaces threonine 2478 with asparagine.
Molecular consequence: missense variant.
Genome position (GRCh38, 1-based): chr19:38,500,715, C>A. VCF-style: chr19-38500715-C-A. GRCh37 (hg19) VCF-style: chr19-38991355-C-A.
Other names: c.7433C>A, p.Thr2478Asn (NM_001042723.2); short protein forms T2478N.
Identifiers: ClinVar variation 478271 (VCV000478271.27), dbSNP rs141298868, ClinGen allele CA069622.

ClinVar aggregate classification (germline): Conflicting classifications of pathogenicity. Review status: criteria provided, conflicting classifications (1 of 4 stars). 8 submissions from 8 submitters: Uncertain significance (7); Likely benign (1). Last evaluated 2026-08-07.

Conditions:
Central core myopathy (CMYO1A). Also called: CONGENITAL MYOPATHY 1A, AUTOSOMAL DOMINANT, WITH SUSCEPTIBILITY TO MALIGNANT HYPERTHERMIA; Central core disease; Myopathy, central fibrillar. Identifiers: Orphanet 597, MedGen C5830701, MONDO:0007294, OMIM 117000.
King Denborough syndrome (KDS). Identifiers: MedGen C1840365, MONDO:0020485, OMIM 619542.
Congenital multicore myopathy with external ophthalmoplegia (CMYO1B). Also called: Minicore myopathy with external ophthalmoplegia; Congenital myopathy 1B, autosomal recessive; Minicore myopathy; MULTICORE MYOPATHY; MULTIMINICORE DISEASE WITH EXTERNAL OPHTHALMOPLEGIA. Identifiers: Orphanet 598, Orphanet 98905, MedGen C1850674, MONDO:0009712, OMIM 255320, HP:0003789.
Malignant hyperthermia, susceptibility to, 1 (MHS1). Also called: Malignant hyperthermia suceptibility 1; Anesthesia related hyperthermia; Malignant hyperpyrexia; Fulminating hyperpyrexia; Pharmacogenic myopathy; RYR1-Related Malignant Hyperthermia Susceptibility. Identifiers: Orphanet 423, MedGen C2930980, MONDO:0007783, OMIM 145600.
RYR1-related disorder. Also called: RYR1-related disorders; RYR1-related condition. Identifiers: MedGen CN239331.

Allele frequency attached by ClinVar (database versions not stated): ExAC 0.00008; gnomAD exomes 0.00009 and 0.00015; gnomAD 0.00010; TOPMed 0.00013; ESP Exome Variant Server 0.00015.
gnomAD v4.1: 242 of 1,614,022 alleles (0.015%); highest among the groups gnomAD compares: Non-Finnish European, 0.019%; no homozygotes.

Submissions (8):

GeneDx
Classification: Uncertain significance. Last evaluated: 2026-08-07. Review status: criteria provided, single submitter. Criteria: GeneDx Variant Classification Process June 2021. Collection method: clinical testing. Allele origin: germline.
Comment: Previously reported as a variant of uncertain significance and identified with a second RYR1 variant in an individual with central core myopathy (PMID: 33458582); In silico analysis suggests that this missense variant does not alter protein structure/function; Not observed at significant frequency in large population cohorts (gnomAD); This variant is associated with the following publications: (PMID: 33458582, 42126337)

CeGaT Center for Human Genetics Tuebingen
Classification: Uncertain significance. Last evaluated: 2026-01-01. Review status: criteria provided, single submitter. Criteria: CeGaT Center For Human Genetics Tuebingen Variant Classification Criteria Version 2. Collection method: clinical testing. Allele origin: germline. Affected: yes. Observed: 1 variant allele.
Comment: RYR1: PM2, PM3

Labcorp Genetics (formerly Invitae), Labcorp
Classification: Likely benign for RYR1-related disorder. Last evaluated: 2025-12-10. Review status: criteria provided, single submitter. Criteria: Invitae Variant Classification Sherloc (09022015). Collection method: clinical testing. Allele origin: germline.

Color Diagnostics, LLC DBA Color Health
Classification: Uncertain significance for Malignant hyperthermia, susceptibility to, 1. Last evaluated: 2024-02-03. Review status: criteria provided, single submitter. Criteria: ACMG Guidelines, 2015. Collection method: clinical testing. Allele origin: germline.
Comment: This missense variant replaces threonine with asparagine at codon 2478 of the RYR1 protein. Computational prediction suggests that this variant may not impact protein structure and function. To our knowledge, functional studies have not been reported for this variant. This variant has not been reported in individuals affected with autosomal dominant malignant hyperthermia in the literature, although has been reported in an individual affected with central core disease (PMID: 33458582). This variant has been identified in 26/282548 chromosomes in the general population by the Genome Aggregation Database (gnomAD). The available evidence is insufficient to determine the role of this variant in disease conclusively. Therefore, this variant is classified as a Variant of Uncertain Significance.

Department of Pathology and Laboratory Medicine, Sinai Health System
Classification: Uncertain significance for Central core myopathy; Malignant hyperthermia, susceptibility to, 1; Congenital multicore myopathy with external ophthalmoplegia; King Denborough syndrome. Last evaluated: 2023-09-26. Review status: criteria provided, single submitter. Criteria: ACMG Guidelines, 2015. Collection method: research. Allele origin: germline.

Revvity Omics, Revvity
Classification: Uncertain significance. Last evaluated: 2023-05-29. Review status: criteria provided, single submitter. Criteria: ACMG Guidelines, 2015. Collection method: clinical testing. Allele origin: germline.

PreventionGenetics, part of Exact Sciences
Classification: Uncertain significance. Last evaluated: 2018-06-22. Review status: criteria provided, single submitter. Criteria: ACMG Guidelines, 2015. Collection method: clinical testing. Allele origin: germline.

Eurofins Ntd Llc (ga)
Classification: Uncertain significance. Last evaluated: 2017-01-13. Review status: criteria provided, single submitter. Criteria: EGL Classification Definitions 2015. Collection method: clinical testing. Allele origin: germline. Observed: 1 variant allele, 1 heterozygote.

Literature cited by the submitters: PubMed 33458582 (cited by Color Diagnostics, LLC DBA Color Health).